The following is an entry in ClinVar:

ClinVar aggregate classification (germline): Uncertain significance (1 of 4 stars; one submission).

Conditions:
Hereditary cancer-predisposing syndrome. Also called: Neoplastic Syndromes, Hereditary; Tumor predisposition; Hereditary Cancer Syndrome; Hereditary neoplastic syndrome. Identifiers: Orphanet 140162, MedGen C0027672, MeSH D009386, MONDO:0015356.

Submission:

Ambry Genetics
Classification: Uncertain significance for Hereditary cancer-predisposing syndrome. Last evaluated: 2025-11-19. Review status: criteria provided, single submitter. Criteria: Ambry Variant Classification Scheme 2023. Collection method: clinical testing. Allele origin: germline.
Comment: The p.E740Q variant (also known as c.2218G>C), located in coding exon 20 of the POLE gene, results from a G to C substitution at nucleotide position 2218. The glutamic acid at codon 740 is replaced by glutamine, an amino acid with highly similar properties. This amino acid position is highly conserved in available vertebrate species. In addition, the in silico prediction for this alteration is inconclusive. Based on the available evidence, the clinical significance of this variant remains unclear.

NM_006231.4(POLE):c.2218G>C (p.Glu740Gln)

Gene: POLE (DNA polymerase epsilon, catalytic subunit; minus strand). Cytogenetic location: 12q24.33.
Variant type: single nucleotide variant.
Coding change: c.2218G>C on transcript NM_006231.4 (MANE Select); coding-DNA position 2218, G replaced by C.
Protein change: p.Glu740Gln; replaces glutamic acid 740 with glutamine.
Molecular consequence: missense variant.
Genome position (GRCh38, 1-based): chr12:132,667,604, C>G on the plus strand (G>C on the coding strand, the complement: POLE is on the minus strand). VCF-style: chr12-132667604-C-G. GRCh37 (hg19) VCF-style: chr12-133244190-C-G.
Other names: short protein forms E740Q.
Identifiers: ClinVar variation 4672260 (VCV004672260.1).